The following is an entry in ClinVar:

ClinVar aggregate classification (germline): Uncertain significance (1 of 4 stars; one submission).

Allele frequency attached by ClinVar (database versions not stated): gnomAD exomes below 0.00001.
gnomAD v4.1: 2 of 1,614,146 alleles (0.00012%); highest among the groups gnomAD compares: Non-Finnish European, 0.000085%; no homozygotes.

Submission:

Labcorp Genetics (formerly Invitae), Labcorp
Classification: Uncertain significance. Last evaluated: 2021-11-27. Review status: criteria provided, single submitter. Criteria: Invitae Variant Classification Sherloc (09022015). Collection method: clinical testing. Allele origin: germline.
Comment: In summary, the available evidence is currently insufficient to determine the role of this variant in disease. Therefore, it has been classified as a Variant of Uncertain Significance. Algorithms developed to predict the effect of missense changes on protein structure and function are either unavailable or do not agree on the potential impact of this missense change (SIFT: "Tolerated"; PolyPhen-2: "Probably Damaging"; Align-GVGD: "Class C0"). This variant has not been reported in the literature in individuals affected with IDH3A-related conditions. This variant is not present in population databases (gnomAD no frequency). This sequence change replaces proline, which is neutral and non-polar, with leucine, which is neutral and non-polar, at codon 294 of the IDH3A protein (p.Pro294Leu).

NM_005530.3(IDH3A):c.881C>T (p.Pro294Leu)

Gene: IDH3A (isocitrate dehydrogenase (NAD(+)) 3 catalytic subunit alpha; plus strand). Cytogenetic location: 15q25.1.
Variant type: single nucleotide variant.
Coding change: c.881C>T on transcript NM_005530.3 (MANE Select); coding-DNA position 881, C replaced by T.
Protein change: p.Pro294Leu; replaces proline 294 with leucine.
Molecular consequence: missense variant.
Genome position (GRCh38, 1-based): chr15:78,166,166, C>T. VCF-style: chr15-78166166-C-T. GRCh37 (hg19) VCF-style: chr15-78458508-C-T.
Other names: short protein forms P294L.
Identifiers: ClinVar variation 1465377 (VCV001465377.6), dbSNP rs2141302902, ClinGen allele CA393546136.